The following is an entry in ClinVar:

NM_018297.4(NGLY1):c.857G>A (p.Cys286Tyr)

Gene: NGLY1 (N-glycanase 1; minus strand). Cytogenetic location: 3p24.2.
Variant type: single nucleotide variant.
Coding change: c.857G>A on transcript NM_018297.4 (MANE Select); coding-DNA position 857, G replaced by A.
Protein change: p.Cys286Tyr; replaces cysteine 286 with tyrosine.
Molecular consequence: missense variant.
Genome position (GRCh38, 1-based): chr3:25,739,601, C>T on the plus strand (G>A on the coding strand, the complement: NGLY1 is on the minus strand). VCF-style: chr3-25739601-C-T. GRCh37 (hg19) VCF-style: chr3-25781092-C-T.
Other names: c.857G>A, p.Cys286Tyr (NM_001145293.2, NM_001145295.2); c.731G>A, p.Cys244Tyr (NM_001145294.2); short protein forms C244Y, C286Y.
Identifiers: ClinVar variation 2637938 (VCV002637938.1), dbSNP rs2470552567, ClinGen allele CA351902383.

ClinVar aggregate classification (germline): Likely pathogenic (0 of 4 stars; one submission).

Conditions:
Congenital disorder of deglycosylation 1. Also called: NGLY1-Related Congenital Disorder of Deglycosylation; NGLY1-deficiency. Identifiers: Orphanet 404454, MedGen CN306977, MONDO:0800044, OMIM 615273.

Submission:

Department of Pediatrics, Graduate School of Medical Sciences, Kyushu University
Classification: Likely pathogenic for Congenital disorder of deglycosylation 1. Review status: no assertion criteria provided. Collection method: curation. Allele origin: germline. Inheritance: Autosomal recessive inheritance. Affected: yes.

Literature cited by the submitters: PubMed 27388694.